The following is an entry in ClinVar:

ClinVar aggregate classification (germline): Uncertain significance. Review status: criteria provided, multiple submitters, no conflicts (2 of 4 stars). 2 submissions from 2 submitters: Uncertain significance (2). Last evaluated 2026-01-09.

Conditions:
Inborn genetic diseases. Identifiers: MedGen C0950123, MeSH D030342.

Allele frequency attached by ClinVar (database versions not stated): TOPMed below 0.00001.
gnomAD v4.1: 4 of 1,614,028 alleles (0.00025%); highest among the groups gnomAD compares: South Asian, 0.0011%; no homozygotes.

Submissions (2):

Labcorp Genetics (formerly Invitae), Labcorp
Classification: Uncertain significance. Last evaluated: 2026-01-09. Review status: criteria provided, single submitter. Criteria: Invitae Variant Classification Sherloc (09022015). Collection method: clinical testing. Allele origin: germline.
Comment: This sequence change replaces arginine, which is basic and polar, with threonine, which is neutral and polar, at codon 1404 of the SETD5 protein (p.Arg1404Thr). This variant is present in population databases (no rsID available, gnomAD 0.0009%). This variant has not been reported in the literature in individuals affected with SETD5-related conditions. ClinVar contains an entry for this variant (Variation ID: 2226539). Invitae Evidence Modeling of protein sequence and biophysical properties (such as structural, functional, and spatial information, amino acid conservation, physicochemical variation, residue mobility, and thermodynamic stability) has been performed for this missense variant. However, the output from this modeling did not meet the statistical confidence thresholds required to predict the impact of this variant on SETD5 protein function. In summary, the available evidence is currently insufficient to determine the role of this variant in disease. Therefore, it has been classified as a Variant of Uncertain Significance.

Ambry Genetics
Classification: Uncertain significance for Inborn genetic diseases. Last evaluated: 2022-10-12. Review status: criteria provided, single submitter. Criteria: Ambry Variant Classification Scheme 2023. Collection method: clinical testing. Allele origin: germline.

NM_001080517.3(SETD5):c.4211G>C (p.Arg1404Thr)

Gene: SETD5 (SET domain containing 5; plus strand). Cytogenetic location: 3p25.3.
Variant type: single nucleotide variant.
Coding change: c.4211G>C on transcript NM_001080517.3 (MANE Select); coding-DNA position 4211, G replaced by C.
Protein change: p.Arg1404Thr; replaces arginine 1404 with threonine.
Molecular consequence: missense variant.
Genome position (GRCh38, 1-based): chr3:9,475,973, G>C. VCF-style: chr3-9475973-G-C. GRCh37 (hg19) VCF-style: chr3-9517657-G-C.
Other names: c.3917G>C, p.Arg1306Thr (NM_001292043.2, NM_001349451.2); short protein forms R1306T, R1404T.
Identifiers: ClinVar variation 2226539 (VCV002226539.3), dbSNP rs749419411, ClinGen allele CA351694923.
Genomic context (GRCh38, chr3:9,475,973, plus strand): 5'-CAGACTTACGGACTATCAGTCTGCCCAGTGCTGGGCAGTCAGCTGTCTACCAGGCCTCCA[G>C]GGTATCTGCGGTTTCCAATTCACAGCACTACCCACACCGTGGGAGTGGGGGTGTGCACCA-3'
Protein context (NP_001073986.1, residues 1394-1414): AGQSAVYQAS[Arg1404Thr]VSAVSNSQHY